The following is an entry in ClinVar:

ClinVar aggregate classification (germline): Likely pathogenic (1 of 4 stars; one submission).

Conditions:
Neurodevelopmental disorder with impaired speech and hyperkinetic movements. Identifiers: MedGen C5193088, MONDO:0032741, OMIM 618425.

Submission:

Dasa
Classification: Likely pathogenic for Neurodevelopmental disorder with impaired speech and hyperkinetic movements. Last evaluated: 2025-10-25. Review status: criteria provided, single submitter. Criteria: DASA Assertion Criteria. Collection method: clinical testing. Allele origin: germline.
Comment: NM_001379659.1(ZNF142):c.3408del (p.Leu1137Phefs*80) is a frameshift variant in ZNF142 predicted to alter the reading frame and introduce a premature termination codon and is predicted to result in an absent or altered protein product. Loss of function is an established disease mechanism for ZNF142-associated disorders. Also, this variant is absent from population databases. Based on the currently available evidence, this variant is classified as likely pathogenic.

NM_001379659.1(ZNF142):c.3408del (p.Leu1137fs)

Gene: ZNF142 (zinc finger protein 142; minus strand). Cytogenetic location: 2q35.
Variant type: Deletion.
Coding change: c.3408del on transcript NM_001379659.1 (MANE Select); coding-DNA position 3408, one base deleted (G; older notation c.3408delG).
Protein change: p.Leu1137fs; shifts the reading frame from leucine 1137.
Molecular consequence: frameshift variant.
Genome position (GRCh38, 1-based): chr2:218,643,708, C deleted on the plus strand (G on the coding strand, the reverse complement: ZNF142 is on the minus strand). VCF-style (leftmost placement, unchanged base first): chr2-218643707-GC-G. GRCh37 (hg19) VCF-style: chr2-219508430-GC-G.
Other names: c.2808delG, p.Leu937Phefs (NM_001105537.5, NM_001366291.3); c.3408del, p.Leu1137fs (NM_001379660.1, NM_001379661.1, NM_001366290.3); c.2808del, p.Leu937fs (NM_001379662.1); c.2319delG, p.Leu774Phefs (NM_001366287.3, NM_001366288.3, NM_001366289.3); short protein forms L1137fs, L774fs, L937fs.
Identifiers: ClinVar variation 4880549 (VCV004880549.2).